The following is an entry in ClinVar:

NM_021620.4(PRDM13):c.276+5T>C

Gene: PRDM13 (PR/SET domain 13; plus strand). Cytogenetic location: 6q16.2.
Variant type: single nucleotide variant.
Coding change: c.276+5T>C on transcript NM_021620.4 (MANE Select); 5 bases into the intron after coding-DNA position 276, T replaced by C.
Molecular consequence: intron variant.
Genome position (GRCh38, 1-based): chr6:99,608,877, T>C. VCF-style: chr6-99608877-T-C. GRCh37 (hg19) VCF-style: chr6-100056753-T-C.
Identifiers: ClinVar variation 2054734 (VCV002054734.4), dbSNP rs773451877, ClinGen allele CA3936139.
Genomic context (GRCh38, chr6:99,608,877, plus strand): 5'-CCAGAAACTCCCAGGAACAGACTCTGGAAGCTATTGCAGACTTACCCGGAGGACAGGTAC[T>C]GCGGGCTTCTCTCCACACCCCCCCACTCCCCACCGCCAATTCAGTCTACCTAACCGTCCC-3'

ClinVar aggregate classification (germline): Uncertain significance (1 of 4 stars; one submission).

Allele frequency attached by ClinVar (database versions not stated): TOPMed 0.00001; gnomAD exomes 0.00002.
gnomAD v4.1: 31 of 1,609,968 alleles (0.0019%); highest among the groups gnomAD compares: East Asian, 0.069%; no homozygotes.

Submission:

Labcorp Genetics (formerly Invitae), Labcorp
Classification: Uncertain significance. Last evaluated: 2024-12-23. Review status: criteria provided, single submitter. Criteria: Invitae Variant Classification Sherloc (09022015). Collection method: clinical testing. Allele origin: germline.
Comment: This sequence change falls in intron 2 of the PRDM13 gene. It does not directly change the encoded amino acid sequence of the PRDM13 protein. It affects a nucleotide within the consensus splice site. This variant is present in population databases (rs773451877, gnomAD 0.08%), and has an allele count higher than expected for a pathogenic variant. This variant has not been reported in the literature in individuals affected with PRDM13-related conditions. ClinVar contains an entry for this variant (Variation ID: 2054734). Variants that disrupt the consensus splice site are a relatively common cause of aberrant splicing (PMID: 17576681, 9536098). Algorithms developed to predict the effect of sequence changes on RNA splicing suggest that this variant is not likely to affect RNA splicing. In summary, the available evidence is currently insufficient to determine the role of this variant in disease. Therefore, it has been classified as a Variant of Uncertain Significance.

Literature cited by the submitters: PubMed 17576681; PubMed 9536098.